The following is an entry in ClinVar:

ClinVar aggregate classification (germline): Uncertain significance (1 of 4 stars; one submission).

Conditions:
Congenital myasthenic syndrome 8. Also called: Myasthenic syndrome, congenital, 8, with pre- and postsynaptic defects; MYASTHENIC SYNDROME, CONGENITAL, DUE TO AGRIN DEFICIENCY. Identifiers: Orphanet 590, MedGen C3808739, MONDO:0014052, OMIM 615120.

Allele frequency attached by ClinVar (database versions not stated): TOPMed below 0.00001; gnomAD 0.00001; gnomAD exomes 0.00001.
gnomAD v4.1: 12 of 1,489,760 alleles (0.00081%); highest among the groups gnomAD compares: Non-Finnish European, 0.00098%; no homozygotes.

Submission:

Labcorp Genetics (formerly Invitae), Labcorp
Classification: Uncertain significance for Congenital myasthenic syndrome 8. Last evaluated: 2022-09-13. Review status: criteria provided, single submitter. Criteria: Invitae Variant Classification Sherloc (09022015). Collection method: clinical testing. Allele origin: germline.
Comment: This sequence change replaces glycine, which is neutral and non-polar, with glutamic acid, which is acidic and polar, at codon 265 of the AGRN protein (p.Gly265Glu). This variant is not present in population databases (gnomAD no frequency). This variant has not been reported in the literature in individuals affected with AGRN-related conditions. ClinVar contains an entry for this variant (Variation ID: 1016507). Algorithms developed to predict the effect of missense changes on protein structure and function are either unavailable or do not agree on the potential impact of this missense change (SIFT: "Deleterious"; PolyPhen-2: "Probably Damaging"; Align-GVGD: "Class C0"). In summary, the available evidence is currently insufficient to determine the role of this variant in disease. Therefore, it has been classified as a Variant of Uncertain Significance.

NM_198576.4(AGRN):c.794G>A (p.Gly265Glu)

Gene: AGRN (agrin; plus strand). Cytogenetic location: 1p36.33.
Variant type: single nucleotide variant.
Coding change: c.794G>A on transcript NM_198576.4 (MANE Select); coding-DNA position 794, G replaced by A.
Protein change: p.Gly265Glu; replaces glycine 265 with glutamic acid.
Molecular consequence: missense variant.
Genome position (GRCh38, 1-based): chr1:1,041,239, G>A. VCF-style: chr1-1041239-G-A. GRCh37 (hg19) VCF-style: chr1-976619-G-A.
Other names: c.794G>A, p.Gly265Glu (NM_001305275.2); c.479G>A, p.Gly160Glu (NM_001364727.2); short protein forms G160E, G265E.
Identifiers: ClinVar variation 1016507 (VCV001016507.6), dbSNP rs1453117775, ClinGen allele CA337823913.